The following is an entry in ClinVar:

ClinVar aggregate classification (germline): Uncertain significance. Review status: criteria provided, multiple submitters, no conflicts (2 of 4 stars). 4 submissions from 4 submitters: Uncertain significance (4). Last evaluated 2024-06-19.

Conditions:
Autosomal recessive limb-girdle muscular dystrophy type 2A (LGMDR1). Also called: Calpainopathy; Muscular dystrophy, limb-girdle, type 2A, Amish; LEYDEN-MOEBIUS MUSCULAR DYSTROPHY; MUSCULAR DYSTROPHY, PELVOFEMORAL; Limb-girdle muscular dystrophy, type 2A. Identifiers: Orphanet 267, MedGen C1869123, MONDO:0009675, OMIM 253600. Disease mechanism: loss of function.

Allele frequency attached by ClinVar (database versions not stated): ExAC 0.00001; gnomAD exomes 0.00002; gnomAD 0.00004; TOPMed 0.00004; 1000 Genomes Project 30x 0.00016; 1000 Genomes Project 0.00020.
gnomAD v4.1: 34 of 1,614,058 alleles (0.0021%); highest among the groups gnomAD compares: Non-Finnish European, 0.0027%; no homozygotes.

Submissions (4):

Labcorp Genetics (formerly Invitae), Labcorp
Classification: Uncertain significance for Autosomal recessive limb-girdle muscular dystrophy type 2A. Last evaluated: 2024-06-19. Review status: criteria provided, single submitter. Criteria: Invitae Variant Classification Sherloc (09022015). Collection method: clinical testing. Allele origin: germline.
Comment: This sequence change replaces threonine, which is neutral and polar, with alanine, which is neutral and non-polar, at codon 560 of the CAPN3 protein (p.Thr560Ala). This variant is present in population databases (rs146845466, gnomAD 0.005%). This missense change has been observed in individual(s) with clinical features of CAPN3-related conditions (PMID: 30564623, 31862442). ClinVar contains an entry for this variant (Variation ID: 282679). Advanced modeling of protein sequence and biophysical properties (such as structural, functional, and spatial information, amino acid conservation, physicochemical variation, residue mobility, and thermodynamic stability) has been performed at Invitae for this missense variant, however the output from this modeling did not meet the statistical confidence thresholds required to predict the impact of this variant on CAPN3 protein function. In summary, the available evidence is currently insufficient to determine the role of this variant in disease. Therefore, it has been classified as a Variant of Uncertain Significance.

Women's Health and Genetics/Laboratory Corporation of America, LabCorp
Classification: Uncertain significance. Last evaluated: 2023-04-13. Review status: criteria provided, single submitter. Criteria: LabCorp Variant Classification Summary - May 2015. Collection method: clinical testing. Allele origin: germline.
Comment: Variant summary: CAPN3 c.1678A>G (p.Thr560Ala) results in a non-conservative amino acid change located in the Peptidase C2, calpain, large subunit, domain III (IPR022682) of the encoded protein sequence. Four of five in-silico tools predict a damaging effect of the variant on protein function. The variant allele was found at a frequency of 2.4e-05 in 251408 control chromosomes (gnomAD). The available data on variant occurrences in the general population are insufficient to allow any conclusion about variant significance. c.1678A>G has been reported in the literature in at least one compound heterozygous individual affected with Limb-Girdle Muscular Dystrophy (e.g. Fichna_2018). The variant was also found in other heterozygous individuals with suspected/confirmed diagnosis of Limb-Girdle Muscular Dystrophy (e.g. Nallamilli_2018, Meinke_2020). These data do not allow any conclusion about variant significance. To our knowledge, no experimental evidence demonstrating an impact on protein function has been reported. Three ClinVar submitters have assessed the variant since 2014: all have classified the variant as uncertain significance. Based on the evidence outlined above, the variant was classified as uncertain significance.

Revvity Omics, Revvity
Classification: Uncertain significance. Last evaluated: 2022-07-20. Review status: criteria provided, single submitter. Criteria: ACMG Guidelines, 2015. Collection method: clinical testing. Allele origin: germline.

Eurofins Ntd Llc (ga)
Classification: Uncertain significance. Last evaluated: 2015-08-14. Review status: criteria provided, single submitter. Criteria: EGL Classification Definitions 2015. Collection method: clinical testing. Allele origin: germline. Observed: 3 variant alleles, 3 heterozygotes.

Literature cited by the submitters: PubMed 30564623 (cited by Labcorp Genetics (formerly Invitae), Labcorp and Women's Health and Genetics/Laboratory Corporation of America, LabCorp); PubMed 31862442 (cited by Labcorp Genetics (formerly Invitae), Labcorp and Women's Health and Genetics/Laboratory Corporation of America, LabCorp); PubMed 29970176 (cited by Women's Health and Genetics/Laboratory Corporation of America, LabCorp).

NM_000070.3(CAPN3):c.1678A>G (p.Thr560Ala)

Gene: CAPN3 (calpain 3; plus strand). Cytogenetic location: 15q15.1.
Variant type: single nucleotide variant.
Coding change: c.1678A>G on transcript NM_000070.3 (MANE Select); coding-DNA position 1678, A replaced by G.
Protein change: p.Thr560Ala; replaces threonine 560 with alanine.
Molecular consequence: missense variant.
Genome position (GRCh38, 1-based): chr15:42,402,935, A>G. VCF-style: chr15-42402935-A-G. GRCh37 (hg19) VCF-style: chr15-42695133-A-G.
Other names: c.1678A>G (NM_000070.2); c.1678A>G, p.Thr560Ala (NM_024344.2); c.1534A>G, p.Thr512Ala (NM_173087.2); c.142A>G, p.Thr48Ala (NM_173088.2); short protein forms T560A, T512A, T48A.
Identifiers: ClinVar variation 282679 (VCV000282679.12), dbSNP rs146845466, ClinGen allele CA7511464.